The following is an entry in ClinVar:

ClinVar aggregate classification (germline): Conflicting classifications of pathogenicity. Review status: criteria provided, conflicting classifications (1 of 4 stars). 3 submissions from 3 submitters: Uncertain significance (1); Likely benign (2). Last evaluated 2025-06-15.

Conditions:
Inborn genetic diseases. Identifiers: MedGen C0950123, MeSH D030342.
KCNH1-related disorder. Also called: KCNH1-related disorders; KCNH1-related condition.

Allele frequency attached by ClinVar (database versions not stated): gnomAD exomes 0.00001 and 0.00004; ExAC 0.00002; ESP Exome Variant Server 0.00015; gnomAD 0.00021 and 0.00026; TOPMed 0.00021.
gnomAD v4.1: 40 of 1,614,050 alleles (0.0025%); highest among the groups gnomAD compares: African/African-American, 0.053%; no homozygotes.

Submissions (3):

Labcorp Genetics (formerly Invitae), Labcorp
Classification: Likely benign. Last evaluated: 2025-06-15. Review status: criteria provided, single submitter. Criteria: Invitae Variant Classification Sherloc (09022015). Collection method: clinical testing. Allele origin: germline.

Ambry Genetics
Classification: Likely benign for Inborn genetic diseases. Last evaluated: 2025-03-22. Review status: criteria provided, single submitter. Criteria: Ambry Variant Classification Scheme 2023. Collection method: clinical testing. Allele origin: germline.

PreventionGenetics, part of Exact Sciences
Classification: Uncertain significance for KCNH1-related condition. Last evaluated: 2022-12-10. Review status: criteria provided, single submitter. Criteria: ACMG Guidelines, 2015. Collection method: clinical testing. Allele origin: germline.
Comment: The KCNH1 c.2779C>G variant is predicted to result in the amino acid substitution p.Leu927Val. To our knowledge, this variant has not been reported in the literature. This variant is reported in 0.044% of alleles in individuals of African descent in gnomAD. Although we suspect that this variant may be benign, at this time, the clinical significance of this variant is uncertain due to the absence of conclusive functional and genetic evidence.

NM_172362.3(KCNH1):c.2779C>G (p.Leu927Val)

Gene: KCNH1 (potassium voltage-gated channel subfamily H member 1; minus strand). Cytogenetic location: 1q32.2.
Variant type: single nucleotide variant.
Coding change: c.2779C>G on transcript NM_172362.3 (MANE Select); coding-DNA position 2779, C replaced by G.
Protein change: p.Leu927Val; replaces leucine 927 with valine.
Molecular consequence: missense variant.
Genome position (GRCh38, 1-based): chr1:210,683,472, G>C on the plus strand (C>G on the coding strand, the complement: KCNH1 is on the minus strand). VCF-style: chr1-210683472-G-C. GRCh37 (hg19) VCF-style: chr1-210856814-G-C.
Other names: c.2698C>G, p.Leu900Val (NM_002238.4); c.2779C>G (NM_172362.2); short protein forms L900V, L927V.
Identifiers: ClinVar variation 1574302 (VCV001574302.10), dbSNP rs140435478, ClinGen allele CA1379587.